The following is an entry in ClinVar:

ClinVar aggregate classification (germline): Uncertain significance (1 of 4 stars; one submission).

Submission:

Labcorp Genetics (formerly Invitae), Labcorp
Classification: Uncertain significance. Last evaluated: 2022-06-22. Review status: criteria provided, single submitter. Criteria: Invitae Variant Classification Sherloc (09022015). Collection method: clinical testing. Allele origin: germline.
Comment: Algorithms developed to predict the effect of missense changes on protein structure and function are either unavailable or do not agree on the potential impact of this missense change (SIFT: "Deleterious"; PolyPhen-2: "Probably Damaging"; Align-GVGD: "Class C0"). In summary, the available evidence is currently insufficient to determine the role of this variant in disease. Therefore, it has been classified as a Variant of Uncertain Significance. This variant has not been reported in the literature in individuals affected with TTLL5-related conditions. This variant is not present in population databases (gnomAD no frequency). This sequence change replaces histidine, which is basic and polar, with tyrosine, which is neutral and polar, at codon 1137 of the TTLL5 protein (p.His1137Tyr).

NM_015072.5(TTLL5):c.3409C>T (p.His1137Tyr)

Gene: TTLL5 (tubulin tyrosine ligase like 5; plus strand). Cytogenetic location: 14q24.3.
Variant type: single nucleotide variant.
Coding change: c.3409C>T on transcript NM_015072.5 (MANE Select); coding-DNA position 3409, C replaced by T.
Protein change: p.His1137Tyr; replaces histidine 1137 with tyrosine.
Molecular consequence: missense variant.
Genome position (GRCh38, 1-based): chr14:75,863,749, C>T. VCF-style: chr14-75863749-C-T. GRCh37 (hg19) VCF-style: chr14-76330092-C-T.
Other names: short protein forms H1137Y.
Identifiers: ClinVar variation 2008961 (VCV002008961.4), dbSNP rs2503652754, ClinGen allele CA390539710.